The following is an entry in ClinVar:

NM_001009944.3(PKD1):c.6919dup (p.Glu2307fs)

Gene: PKD1 (polycystin 1, transient receptor potential channel interacting; minus strand). Cytogenetic location: 16p13.3.
Variant type: Duplication.
Coding change: c.6919dup on transcript NM_001009944.3 (MANE Select); coding-DNA position 6919, one base duplicated (G; older notation c.6919dupG).
Protein change: p.Glu2307fs; shifts the reading frame from glutamic acid 2307.
Molecular consequence: frameshift variant.
Genome position (GRCh38, 1-based): chr16:2,108,029, C duplicated on the plus strand (G on the coding strand, the reverse complement: PKD1 is on the minus strand); the first of 3 consecutive C bases (chr16:2,108,029-2,108,031); duplicating any one gives the same sequence. VCF-style (leftmost placement, unchanged base first): chr16-2108028-T-TC. GRCh37 (hg19) VCF-style: chr16-2158029-T-TC.
Other names: c.6919dup, p.Glu2307fs (NM_000296.4); short protein forms E2307fs.
Identifiers: ClinVar variation 3419026 (VCV003419026.1).

ClinVar aggregate classification (germline): Pathogenic (1 of 4 stars; one submission).

Conditions:
Inborn genetic diseases. Identifiers: MedGen C0950123, MeSH D030342.

Submission:

Ambry Genetics
Classification: Pathogenic for Inborn genetic diseases. Last evaluated: 2024-09-10. Review status: criteria provided, single submitter. Criteria: Ambry Variant Classification Scheme 2023. Collection method: clinical testing. Allele origin: germline.
Comment: The c.6919dupG (p.E2307Gfs*113) alteration, located in exon 16 (coding exon 16) of the PKD1 gene, consists of a duplication of G at position 6919, causing a translational frameshift with a predicted alternate stop codon after 113 amino acids. This alteration is expected to result in loss of function by premature protein truncation or nonsense-mediated mRNA decay. This variant was not reported in population-based cohorts in the Genome Aggregation Database (gnomAD). Based on the available evidence, this alteration is classified as pathogenic.